The following is an entry in ClinVar:

ClinVar aggregate classification (germline): Uncertain significance (1 of 4 stars; one submission).

Submission:

GeneDx
Classification: Uncertain significance. Last evaluated: 2022-07-11. Review status: criteria provided, single submitter. Criteria: GeneDx Variant Classification Process June 2021. Collection method: clinical testing. Allele origin: germline. Affected: yes.
Comment: Not observed at significant frequency in large population cohorts (gnomAD); In silico analysis supports that this missense variant has a deleterious effect on protein structure/function; Has not been previously published as pathogenic or benign to our knowledge

NM_000827.4(GRIA1):c.248A>C (p.Tyr83Ser)

Gene: GRIA1 (glutamate ionotropic receptor AMPA type subunit 1; plus strand). Cytogenetic location: 5q33.2.
Variant type: single nucleotide variant.
Coding change: c.248A>C on transcript NM_000827.4 (MANE Select); coding-DNA position 248, A replaced by C.
Protein change: p.Tyr83Ser; replaces tyrosine 83 with serine.
Molecular consequence: missense variant. On other transcripts: 5 prime UTR variant (1), non-coding transcript variant (2), intron variant (1).
Genome position (GRCh38, 1-based): chr5:153,646,955, A>C. VCF-style: chr5-153646955-A-C. GRCh37 (hg19) VCF-style: chr5-153026515-A-C.
Other names: c.248A>C, p.Tyr83Ser (NM_001114183.2, NM_001364165.2); c.-38A>C (NM_001258020.2); c.278A>C, p.Tyr93Ser (NM_001258021.2, NM_001258022.2); c.41A>C, p.Tyr14Ser (NM_001258023.1, NM_001364167.2); c.275A>C, p.Tyr92Ser (NM_001364166.2); c.221-3375A>C (NM_001258019.2); short protein forms Y14S, Y83S, Y92S, Y93S.
Identifiers: ClinVar variation 1878872 (VCV001878872.1), dbSNP rs2480043870, ClinGen allele CA361904326.